The following is an entry in ClinVar:

ClinVar aggregate classification (germline): Uncertain significance (1 of 4 stars; one submission).

Conditions:
Early-infantile DEE. Also called: Early infantile epileptic encephalopathy; Early infantile epileptic encephalopathy with suppression bursts; Ohtahara syndrome. Identifiers: Orphanet 1934, MedGen C0393706, MONDO:0800491.

Allele frequency attached by ClinVar (database versions not stated): TOPMed below 0.00001; gnomAD 0.00001.

Submission:

Labcorp Genetics (formerly Invitae), Labcorp
Classification: Uncertain significance for Early-infantile DEE. Last evaluated: 2022-05-04. Review status: criteria provided, single submitter. Criteria: Invitae Variant Classification Sherloc (09022015). Collection method: clinical testing. Allele origin: germline.
Comment: In summary, the available evidence is currently insufficient to determine the role of this variant in disease. Therefore, it has been classified as a Variant of Uncertain Significance. Variants that disrupt the consensus splice site are a relatively common cause of aberrant splicing (PMID: 17576681, 9536098). Algorithms developed to predict the effect of sequence changes on RNA splicing suggest that this variant is not likely to affect RNA splicing. This variant has not been reported in the literature in individuals affected with SLC25A22-related conditions. This variant is not present in population databases (gnomAD no frequency). This sequence change falls in intron 3 of the SLC25A22 gene. It does not directly change the encoded amino acid sequence of the SLC25A22 protein. It affects a nucleotide within the consensus splice site.

Literature cited by the submitters: PubMed 17576681; PubMed 9536098.

NM_001191061.2(SLC25A22):c.147-3C>T

Gene: SLC25A22 (solute carrier family 25 member 22; minus strand). Cytogenetic location: 11p15.5.
Variant type: single nucleotide variant.
Coding change: c.147-3C>T on transcript NM_001191061.2 (MANE Select); 3 bases into the intron before coding-DNA position 147, C replaced by T.
Molecular consequence: intron variant.
Genome position (GRCh38, 1-based): chr11:794,516, G>A on the plus strand (C>T on the coding strand, the complement: SLC25A22 is on the minus strand). VCF-style: chr11-794516-G-A. GRCh37 (hg19) VCF-style: chr11-794516-G-A.
Other names: c.147-3C>T (NM_001191060.2, NM_024698.6).
Identifiers: ClinVar variation 1950597 (VCV001950597.5), dbSNP rs1864692174, ClinGen allele CA934296035.